The following is an entry in ClinVar:

ClinVar aggregate classification (germline): Benign (1 of 4 stars; one submission).

Conditions:
Disorders of Intracellular Cobalamin Metabolism. Identifiers: MedGen CN043592.

Allele frequency attached by ClinVar (database versions not stated): gnomAD 0.04892; TOPMed 0.05399; 1000 Genomes Project 30x 0.07214; 1000 Genomes Project 0.07288.

Submission:

Illumina Laboratory Services, Illumina
Classification: Benign for Disorders of Intracellular Cobalamin Metabolism. Last evaluated: 2018-01-13. Review status: criteria provided, single submitter. Criteria: ICSL Variant Classification Criteria 13 December 2019. Collection method: clinical testing. Allele origin: germline.
Comment: This variant was observed in the ICSL laboratory as part of a predisposition screen in an ostensibly healthy population. It had not been previously curated by ICSL or reported in the Human Gene Mutation Database (HGMD: prior to June 1st, 2018), and was therefore a candidate for classification through an automated scoring system. Utilizing variant allele frequency, disease prevalence and penetrance estimates, and inheritance mode, an automated score was calculated to assess if this variant is too frequent to cause the disease. Based on the score and internal cut-off values, a variant classified as benign is not then subjected to further curation. The score for this variant resulted in a classification of benign for this disease.

NM_000254.3(MTR):c.*1383C>T

Gene: MTR (5-methyltetrahydrofolate-homocysteine methyltransferase; plus strand). Cytogenetic location: 1q43.
Variant type: single nucleotide variant.
Coding change: c.*1383C>T on transcript NM_000254.3 (MANE Select); 1383 bases downstream of the stop codon, C replaced by T.
Molecular consequence: 3 prime UTR variant.
Genome position (GRCh38, 1-based): chr1:236,899,027, C>T. VCF-style: chr1-236899027-C-T. GRCh37 (hg19) VCF-style: chr1-237062327-C-T.
Other names: c.*1383C>T (NM_001291939.1, NM_001291940.2).
Identifiers: ClinVar variation 296612 (VCV000296612.5), dbSNP rs73131123, ClinGen allele CA10609662.